The following is an entry in ClinVar:

ClinVar aggregate classification (germline): Uncertain significance. Review status: criteria provided, single submitter (1 of 4 stars). 2 submissions from 2 submitters: Uncertain significance (1). 1 of the submissions does not count toward it. Last evaluated 2023-10-01.

Conditions:
DEPDC5-related disorder. Also called: DEPDC5-related condition; DEPDC5-related related disorder.

Allele frequency attached by ClinVar (database versions not stated): gnomAD exomes below 0.00001.
gnomAD v4.1: 1 of 1,613,012 alleles (0.000062%); highest among the groups gnomAD compares: Non-Finnish European, 0.000085%; no homozygotes.

Submissions (3):

CeGaT Center for Human Genetics Tuebingen
Classification: Uncertain significance. Last evaluated: 2023-10-01. Review status: criteria provided, single submitter. Criteria: CeGaT Center For Human Genetics Tuebingen Variant Classification Criteria Version 2. Collection method: clinical testing. Allele origin: germline. Affected: yes. Observed: 1 variant allele.
Comment: DEPDC5: PM2, PP3

PreventionGenetics, part of Exact Sciences
Classification: Uncertain significance for DEPDC5-related condition. Last evaluated: 2023-12-07. Review status: no assertion criteria provided. Collection method: clinical testing. Allele origin: germline. Not counted in ClinVar's aggregate classification.
Comment: The DEPDC5 c.3805G>A variant is predicted to result in the amino acid substitution p.Val1269Met. This variant is also predicted to decrease the strength of the adjacent splice donor (SpliceAI, Jaganathan K, et al. 2019. PubMed ID: 30661751), which may result in aberrant splicing and loss of gene function. To our knowledge, this variant has not been reported in the literature or in a large population database, indicating this variant is rare. At this time, the clinical significance of this variant is uncertain due to the absence of conclusive functional and genetic evidence.

Dr. Peter K. Rogan Lab, Western University
No classification provided (evidence only). Condition: Uterine carcinosarcoma. Review status: no classification provided. Collection method: in vitro. Allele origin: not applicable. Functional consequence: skipped exon. Not counted in ClinVar's aggregate classification.

NM_001242896.3(DEPDC5):c.3805G>A (p.Val1269Met)

Gene: DEPDC5 (DEP domain containing 5, GATOR1 subcomplex subunit; plus strand). Cytogenetic location: 22q12.3.
Variant type: single nucleotide variant.
Coding change: c.3805G>A on transcript NM_001242896.3 (MANE Select); coding-DNA position 3805, G replaced by A.
Protein change: p.Val1269Met; replaces valine 1269 with methionine.
Molecular consequence: missense variant. On other transcripts: non-coding transcript variant (2).
Genome position (GRCh38, 1-based): chr22:31,876,265, G>A. VCF-style: chr22-31876265-G-A. GRCh37 (hg19) VCF-style: chr22-32272251-G-A.
Other names: NC_000022.10:g.32272251G>A; c.3571G>A, p.Val1191Met (NM_001364319.2, NM_001363854.2); c.3739G>A, p.Val1247Met (NM_001364320.2, NM_001363852.2); c.3721G>A, p.Val1241Met (NM_001369901.1, NM_001369902.1); c.3712G>A, p.Val1238Met (NM_001369903.1, NM_014662.6); c.3805G>A (NM_001242896.1); c.3778G>A, p.Val1260Met (NM_001136029.4); c.3505G>A, p.Val1169Met (NM_001242897.2); and 1 more; short protein forms V1169M, V1191M, V1238M, V1241M, V1247M, V1260M, V1269M.
Identifiers: ClinVar variation 2653084 (VCV002653084.26), dbSNP rs2522513463, ClinGen allele CA411279878.